The following is an entry in ClinVar:

NM_000277.3(PAH):c.266_267insG (p.Ala90fs)

Gene: PAH (phenylalanine hydroxylase; minus strand). Cytogenetic location: 12q23.2.
Variant type: Insertion.
Coding change: c.266_267insG on transcript NM_000277.3 (MANE Select); coding-DNA positions 266 to 267, G inserted.
Protein change: p.Ala90fs; shifts the reading frame from alanine 90.
Molecular consequence: frameshift variant.
Genome position: GRCh38 VCF-style: chr12-102894820-A-AC. GRCh37 (hg19) VCF-style: chr12-103288598-A-AC.
Other names: c.266_267insG, p.Ala90fs (NM_001354304.2); short protein forms A90fs.
Identifiers: ClinVar variation 805816 (VCV000805816.1), dbSNP rs1592978760, ClinGen allele CA16020759.

ClinVar aggregate classification (germline): Pathogenic (3 of 4 stars; one submission).

Conditions:
Phenylketonuria (PKU). Also called: FOLLING DISEASE; Phenylketonuria (PKU); OLIGOPHRENIA PHENYLPYRUVICA; Phenylketonurias. Identifiers: Orphanet 716, MedGen C0031485, MONDO:0009861, OMIM 261600. Disease mechanism: loss of function.

Submission:

ClinGen PAH Variant Curation Expert Panel
Classification: Pathogenic for Phenylketonuria. Last evaluated: 2019-04-04. Review status: reviewed by expert panel. Criteria: ClinGen PAH ACMG Specifications v1. Collection method: curation. Allele origin: germline. Inheritance: Autosomal recessive inheritance.
Comment: BH4 deficiency was excluded via biochemical testing per the recruiting study protocol (PMID: 17846916). Finally, it was found in three Southern German probands with classic PKU; no further details regarding genotype and/or exclusion of BH4 deficiency were given (PMID: 12655553). Thus, PP4_Moderate and PM3 apply per the report in PMID: 17846916. The sequence change results in a frameshift variant which occurs in exon 3 of 13 in the in the canonical transcript of PAH, a gene fulfilling the most recent criteria for LOF being a known disease mechanism (see PMID: 30192042) (PVS1). It is absent from control databases including ethnically matched individuals, including gnomAD/ExAC, 1000 Genomes, and ESP (PM2). In summary, this variant meets criteria to be classified as pathogenic for PAH. PAH-specific ACMG/AMP criteria applied: PVS1, PM2, PM3, PP4_Moderate.

Literature cited by the submitters: PubMed 17846916.